The following is an entry in ClinVar:

ClinVar aggregate classification (germline): Likely pathogenic (1 of 4 stars; one submission).

Conditions:
Neurodevelopmental disorder with or without hyperkinetic movements and seizures, autosomal dominant. Also called: Intellectual disability, autosomal dominant 8. Identifiers: MedGen C3280282, MONDO:0013655, OMIM 614254.

Submission:

Victorian Clinical Genetics Services, Murdoch Childrens Research Institute
Classification: Likely pathogenic for Neurodevelopmental disorder with or without hyperkinetic movements and seizures, autosomal dominant. Last evaluated: 2026-05-07. Review status: criteria provided, single submitter. Criteria: ACMG Guidelines, 2015. Collection method: clinical testing. Allele origin: germline. Affected: yes.
Comment: This variant is classified as Likely pathogenic. Evidence in support of pathogenic classification: Variant is absent from gnomAD (v2, v3 and v4); Other missense variants comparable to the one identified in this case have moderate previous evidence for pathogenicity. The p.(Val816Phe) variant has been classified as likely pathogenic by a clinical laboratory in ClinVar. The p.(Val816Ile) variant has been reported in an individual with global developmental delay (PMID: 38837156), and classified as a VUS by a clinical laboratory in ClinVar; Missense variant in a region that is highly intolerant to missense variation (high constraint region in DECIPHER); Additional information: Variant is predicted to result in a missense amino acid change from Val to Leu; This variant is heterozygous; This gene is associated with both recessive and dominant disease (OMIM); This variant has no previous evidence of pathogenicity; No published evidence of segregation with disease has been identified for this variant; Missense variant with inconclusive in silico prediction and/or uninformative conservation; Dominant negative, loss of function and gain of function are known mechanisms of disease in this gene and are associated with autosomal dominant neurodevelopmental disorder with or without hyperkinetic movements and seizures (MIM#614254), and autosomal recessive GRIN1-related complex neurodevelopmental disorder (MONDO:1060123). Missense variants located mostly in the N-terminal domain and NMD-predicted variants tend to be associated with autosomal recessive disease and a loss of function disease mechanism. Missense variants with a gain of function or a dominant negative consequence on protein function, usually found in the C-terminal domain, tend to be associated with dominant disease (PMID: 27164704, 29365063, OMIM).

Literature cited by the submitters: PubMed 29365063; PubMed 27164704.

NM_007327.4(GRIN1):c.2446G>C (p.Val816Leu)

Gene: GRIN1 (glutamate ionotropic receptor NMDA type subunit 1; plus strand). Cytogenetic location: 9q34.3.
Variant type: single nucleotide variant.
Coding change: c.2446G>C on transcript NM_007327.4 (MANE Select); coding-DNA position 2446, G replaced by C.
Protein change: p.Val816Leu; replaces valine 816 with leucine.
Molecular consequence: missense variant.
Genome position (GRCh38, 1-based): chr9:137,163,761, G>C. VCF-style: chr9-137163761-G-C. GRCh37 (hg19) VCF-style: chr9-140058213-G-C.
Other names: c.2446G>C, p.Val816Leu (NM_000832.7, NM_021569.4); c.2509G>C, p.Val837Leu (NM_001185090.2, NM_001185091.2, NM_001437330.1 and 1 more transcripts); short protein forms V816L, V837L.
Identifiers: ClinVar variation 4879763 (VCV004879763.1).